The following is an entry in ClinVar:

NM_004991.4(MECOM):c.3106C>G (p.Arg1036Gly)

Gene: MECOM (MDS1 and EVI1 complex locus; minus strand). Cytogenetic location: 3q26.2.
Variant type: single nucleotide variant.
Coding change: c.3106C>G on transcript NM_004991.4 (MANE Select); coding-DNA position 3106, C replaced by G.
Protein change: p.Arg1036Gly; replaces arginine 1036 with glycine.
Molecular consequence: missense variant.
Genome position (GRCh38, 1-based): chr3:169,093,016, G>C on the plus strand (C>G on the coding strand, the complement: MECOM is on the minus strand). VCF-style: chr3-169093016-G-C. GRCh37 (hg19) VCF-style: chr3-168810804-G-C.
Other names: c.2737C>G, p.Arg913Gly (NM_001105077.4); c.2542C>G, p.Arg848Gly (NM_001105078.4, NM_001205194.2, NM_001366469.2 and 1 more transcripts); c.2518C>G, p.Arg840Gly (NM_001163999.2, NM_001366470.2); c.2515C>G, p.Arg839Gly (NM_001164000.2, NM_001366471.2, NM_001366472.2); c.3079C>G, p.Arg1027Gly (NM_001366466.2); c.2545C>G, p.Arg849Gly (NM_001366467.2, NM_001366468.2); c.2107C>G, p.Arg703Gly (NM_001366473.2); c.1543C>G, p.Arg515Gly (NM_001366474.2); and 1 more; short protein forms R839G, R840G, R515G, R703G, R848G, R849G, R913G, R1027G.
Identifiers: ClinVar variation 1901474 (VCV001901474.6), dbSNP rs1560118923, ClinGen allele CA355072165.
Genomic context (GRCh38, chr3:169,093,016, plus strand): 5'-ACCTCTCCTCCACATTCCTGGGAGATTGGCTGCCATGGTTGCTGTTCCCAATGAAATTTC[G>C]AATTTCTGTGAAGTAAGCATCTTCTTTGTCATCCAGAATCGCACCTGTACTTTCCAGTTC-3'
Protein context (NP_004982.2, residues 1026-1046): DKEDAYFTEI[Arg1036Gly]NFIGNSNHGS

ClinVar aggregate classification (germline): Uncertain significance. Review status: criteria provided, multiple submitters, no conflicts (2 of 4 stars). 2 submissions from 2 submitters: Uncertain significance (2). Last evaluated 2024-11-23.

Conditions:
Inborn genetic diseases. Identifiers: MedGen C0950123, MeSH D030342.

Allele frequency attached by ClinVar (database versions not stated): TOPMed below 0.00001.
gnomAD v4.1: 1 of 1,613,728 alleles (0.000062%); no homozygotes.

Submissions (2):

Ambry Genetics
Classification: Uncertain significance for Inborn genetic diseases. Last evaluated: 2024-11-23. Review status: criteria provided, single submitter. Criteria: Ambry Variant Classification Scheme 2023. Collection method: clinical testing. Allele origin: germline.
Comment: The p.R1036G variant (also known as c.3106C>G), located in coding exon 14 of the MECOM gene, results from a C to G substitution at nucleotide position 3106. The arginine at codon 1036 is replaced by glycine, an amino acid with dissimilar properties. This amino acid position is conserved. In addition, the in silico prediction for this alteration is inconclusive. Based on the available evidence, the clinical significance of this variant remains unclear.

Labcorp Genetics (formerly Invitae), Labcorp
Classification: Uncertain significance. Last evaluated: 2024-11-11. Review status: criteria provided, single submitter. Criteria: Invitae Variant Classification Sherloc (09022015). Collection method: clinical testing. Allele origin: germline.
Comment: This sequence change replaces arginine, which is basic and polar, with glycine, which is neutral and non-polar, at codon 848 of the MECOM protein (p.Arg848Gly). This variant is not present in population databases (gnomAD no frequency). This variant has not been reported in the literature in individuals affected with MECOM-related conditions. ClinVar contains an entry for this variant (Variation ID: 1901474). An algorithm developed to predict the effect of missense changes on protein structure and function (PolyPhen-2) suggests that this variant is likely to be disruptive. In summary, the available evidence is currently insufficient to determine the role of this variant in disease. Therefore, it has been classified as a Variant of Uncertain Significance.